The following is an entry in ClinVar:

NM_003611.3(OFD1):c.2489-15T>G

Gene: OFD1 (OFD1 centriole and centriolar satellite protein; plus strand). Cytogenetic location: Xp22.2.
Variant type: single nucleotide variant.
Coding change: c.2489-15T>G on transcript NM_003611.3 (MANE Select); 15 bases into the intron before coding-DNA position 2489, T replaced by G.
Molecular consequence: intron variant.
Genome position (GRCh38, 1-based): chrX:13,763,730, T>G. VCF-style: chrX-13763730-T-G. GRCh37 (hg19) VCF-style: chrX-13781849-T-G.
Other names: c.2069-15T>G (NM_001330210.2); c.2369-15T>G (NM_001330209.2).
Identifiers: ClinVar variation 1479060 (VCV001479060.6), dbSNP rs2147066461, ClinGen allele CA2573158405.
Genomic context (GRCh38, chrX:13,763,730, plus strand): 5'-GCCCCCACACTGCACTGCCCTTCTTTGTCTTGGTGTTATTATTAAGGACTCATGGGACAA[T>G]TGTGCCTCATGCAGCTGCAGGGAACATGCCAAGGCAGTTGGAAATGGGCGGGCTTTCTCC-3'

ClinVar aggregate classification (germline): Uncertain significance (1 of 4 stars; one submission).

Conditions:
Joubert syndrome. Also called: CEREBELLOPARENCHYMAL DISORDER IV; JOUBERT-BOLTSHAUSER SYNDROME; Familial aplasia of the vermis. Identifiers: Orphanet 475, MedGen C5979921, MONDO:0018772.
Orofaciodigital syndrome I (OFD1). Also called: OFDS I; Papillon-Leage and Psaume Syndrome; Oral-Facial-Digital Syndrome Type I. Identifiers: Orphanet 2750, MedGen C1510460, MONDO:0010702, OMIM 311200.

Submission:

Labcorp Genetics (formerly Invitae), Labcorp
Classification: Uncertain significance for Orofaciodigital syndrome I; Joubert syndrome. Last evaluated: 2025-10-07. Review status: criteria provided, single submitter. Criteria: Invitae Variant Classification Sherloc (09022015). Collection method: clinical testing. Allele origin: germline.
Comment: This sequence change falls in intron 18 of the OFD1 gene. It does not directly change the encoded amino acid sequence of the OFD1 protein. This variant is not present in population databases (gnomAD no frequency). This variant has not been reported in the literature in individuals affected with OFD1-related conditions. ClinVar contains an entry for this variant (Variation ID: 1479060). Algorithms developed to predict the effect of sequence changes on RNA splicing suggest that this variant may disrupt the consensus splice site. In summary, the available evidence is currently insufficient to determine the role of this variant in disease. Therefore, it has been classified as a Variant of Uncertain Significance.